The following is an entry in ClinVar:

ClinVar aggregate classification (germline): Benign/Likely benign. Review status: criteria provided, multiple submitters, no conflicts (2 of 4 stars). 3 submissions from 3 submitters: Benign (1); Likely benign (2). Last evaluated 2026-03-26.

Conditions:
Hereditary nonpolyposis colorectal neoplasms. Identifiers: MedGen C0009405, MeSH D003123.
Hereditary cancer-predisposing syndrome. Also called: Hereditary Cancer Syndrome; Tumor predisposition; Hereditary neoplastic syndrome; Neoplastic Syndromes, Hereditary. Identifiers: Orphanet 140162, MedGen C0027672, MeSH D009386, MONDO:0015356.
Lynch syndrome 4 (LYNCH4). Also called: Colorectal cancer, hereditary nonpolyposis, type 4; Hereditary non-polyposis colorectal cancer, type 4. Identifiers: Orphanet 144, MedGen C1838333, MONDO:0013699, OMIM 614337. Disease mechanism: loss of function.

Submissions (3):

Ambry Genetics
Classification: Likely benign for Hereditary cancer-predisposing syndrome. Last evaluated: 2026-03-26. Review status: criteria provided, single submitter. Criteria: Ambry Variant Classification Scheme 2023. Collection method: clinical testing. Allele origin: germline.

Myriad Genetics, Inc.
Classification: Benign for Lynch syndrome 4. Last evaluated: 2025-01-28. Review status: criteria provided, single submitter. Criteria: Myriad Autosomal Dominant, Autosomal Recessive and X-Linked Classification Criteria (2023). Collection method: clinical testing. Allele origin: unknown.
Comment: This variant is considered benign. This variant is a silent/synonymous amino acid change and it is not expected to impact splicing.

Labcorp Genetics (formerly Invitae), Labcorp
Classification: Likely benign for Hereditary nonpolyposis colorectal neoplasms. Last evaluated: 2017-04-16. Review status: criteria provided, single submitter. Criteria: Invitae Variant Classification Sherloc (09022015). Collection method: clinical testing. Allele origin: germline.

NM_000535.7(PMS2):c.738C>T (p.Pro246=)

Gene: PMS2 (PMS1 homolog 2, mismatch repair system component; minus strand). Cytogenetic location: 7p22.1.
Variant type: single nucleotide variant.
Coding change: c.738C>T on transcript NM_000535.7 (MANE Select); coding-DNA position 738, C replaced by T.
Protein change: p.Pro246=; no amino-acid change (proline 246 retained).
Molecular consequence: synonymous variant. On other transcripts: 5 prime UTR variant (2), non-coding transcript variant (1).
Genome position (GRCh38, 1-based): chr7:5,997,391, G>A on the plus strand (C>T on the coding strand, the complement: PMS2 is on the minus strand). VCF-style: chr7-5997391-G-A. GRCh37 (hg19) VCF-style: chr7-6037022-G-A.
Other names: c.333C>T, p.Pro111= (NM_001322003.2, NM_001322004.2, NM_001322005.2 and 2 more transcripts); c.738C>T, p.Pro246= (NM_001322006.2, NM_001322014.2); c.420C>T, p.Pro140= (NM_001322007.2, NM_001322008.2); c.-196C>T (NM_001322011.2, NM_001322012.2); c.165C>T, p.Pro55= (NM_001322013.2); c.429C>T, p.Pro143= (NM_001322015.2).
Identifiers: ClinVar variation 455739 (VCV000455739.10), dbSNP rs202094399, ClinGen allele CA453646180.
Genomic context (GRCh38, chr7:5,997,391, plus strand): 5'-AAGATTATGCAGAGCATCGGAACAGCTCAAACCGTACTCTTCACACACGGAGTCACTAGG[G>A]GGCAGCTGAACAAAAGGAATGAGGCTTTGCAACTGAAAAAAAAAAAAAAAAATTCACAGT-3'
Protein context (NP_000526.2, residues 236-256): LQSLIPFVQL[Pro246=]PSDSVCEEYG